The following is an entry in ClinVar:

NM_144672.4(OTOA):c.1249C>T (p.Leu417Phe)

Gene: OTOA (otoancorin). Cytogenetic location: 16p12.2.
Variant type: single nucleotide variant.
Coding change: c.1249C>T on transcript NM_144672.4 (MANE Select); coding-DNA position 1249, C replaced by T.
Protein change: p.Leu417Phe; replaces leucine 417 with phenylalanine.
Molecular consequence: missense variant.
Genome position (GRCh38, 1-based): chr16:21,710,032, C>T. VCF-style: chr16-21710032-C-T. GRCh37 (hg19) VCF-style: chr16-21721353-C-T.
Other names: p.Leu417Phe; c.1012C>T, p.Leu338Phe (NM_001161683.2); c.277C>T, p.Leu93Phe (NM_170664.3); short protein forms L338F, L417F, L93F.
Identifiers: ClinVar variation 1319143 (VCV001319143.9), dbSNP rs764182550, ClinGen allele CA7952575.

ClinVar aggregate classification (germline): Conflicting classifications of pathogenicity. Review status: criteria provided, conflicting classifications (1 of 4 stars). 4 submissions from 4 submitters: Likely pathogenic (1); Uncertain significance (3). Last evaluated 2024-11-20.

Allele frequency attached by ClinVar (database versions not stated): TOPMed below 0.00001; gnomAD 0.00001; ExAC 0.00002; gnomAD exomes 0.00002 and 0.00006.
gnomAD v4.1: 92 of 1,613,952 alleles (0.0057%); highest among the groups gnomAD compares: Non-Finnish European, 0.0078%; no homozygotes.

Submissions (4):

GeneDx
Classification: Uncertain significance. Last evaluated: 2024-11-20. Review status: criteria provided, single submitter. Criteria: GeneDx Variant Classification Process June 2021. Collection method: clinical testing. Allele origin: germline. Affected: yes.
Comment: Reported in trans with an OTOA copy number variant in an individual with sensorineural hearing loss in published literature (PMID: 23897863); Not observed at significant frequency in large population cohorts (gnomAD); In silico analysis supports that this missense variant has a deleterious effect on protein structure/function; This variant is associated with the following publications: (PMID: 23897863, 31527525)

Labcorp Genetics (formerly Invitae), Labcorp
Classification: Uncertain significance. Last evaluated: 2022-06-13. Review status: criteria provided, single submitter. Criteria: Invitae Variant Classification Sherloc (09022015). Collection method: clinical testing. Allele origin: germline.
Comment: This sequence change replaces leucine, which is neutral and non-polar, with phenylalanine, which is neutral and non-polar, at codon 417 of the OTOA protein (p.Leu417Phe). This variant is present in population databases (rs764182550, gnomAD 0.004%). This missense change has been observed in individual(s) with deafness (PMID: 23897863). ClinVar contains an entry for this variant (Variation ID: 1319143). Algorithms developed to predict the effect of missense changes on protein structure and function are either unavailable or do not agree on the potential impact of this missense change (SIFT: "Tolerated"; PolyPhen-2: "Probably Damaging"; Align-GVGD: "Class C0"). In summary, the available evidence is currently insufficient to determine the role of this variant in disease. Therefore, it has been classified as a Variant of Uncertain Significance.

Mayo Clinic Laboratories, Mayo Clinic
Classification: Uncertain significance. Last evaluated: 2022-04-19. Review status: criteria provided, single submitter. Criteria: ACMG Guidelines, 2015. Collection method: clinical testing. Allele origin: germline. Observed: 1 variant allele.
Comment: PP1, PM2, PM3

Institute for Clinical Genetics, University Hospital TU Dresden, University Hospital TU Dresden
Classification: Likely pathogenic. Last evaluated: 2021-11-03. Review status: criteria provided, single submitter. Criteria: ACMG Guidelines, 2015. Collection method: clinical testing. Allele origin: germline.

Literature cited by the submitters: PubMed 23897863 (cited by Labcorp Genetics (formerly Invitae), Labcorp).